The following is an entry in ClinVar:

ClinVar aggregate classification (germline): Likely benign. Review status: criteria provided, multiple submitters, no conflicts (2 of 4 stars). 2 submissions from 2 submitters: Likely benign (2). Last evaluated 2026-01-01.

Conditions:
Hereditary cancer-predisposing syndrome. Also called: Hereditary neoplastic syndrome; Neoplastic Syndromes, Hereditary; Tumor predisposition; Hereditary Cancer Syndrome. Identifiers: Orphanet 140162, MedGen C0027672, MeSH D009386, MONDO:0015356.

Allele frequency attached by ClinVar (database versions not stated): gnomAD 0.00001; TOPMed 0.00002.
gnomAD v4.1: 5 of 1,613,922 alleles (0.00031%); highest among the groups gnomAD compares: Middle Eastern, 0.016%; no homozygotes.

Submissions (2):

CeGaT Center for Human Genetics Tuebingen
Classification: Likely benign. Last evaluated: 2026-01-01. Review status: criteria provided, single submitter. Criteria: CeGaT Center For Human Genetics Tuebingen Variant Classification Criteria Version 2. Collection method: clinical testing. Allele origin: germline. Affected: yes. Observed: 1 variant allele.
Comment: EPCAM: BP4, BP7

Ambry Genetics
Classification: Likely benign for Hereditary cancer-predisposing syndrome. Last evaluated: 2022-04-03. Review status: criteria provided, single submitter. Criteria: Ambry Variant Classification Scheme 2023. Collection method: clinical testing. Allele origin: germline.

NM_002354.3(EPCAM):c.306C>T (p.Ser102=)

Gene: EPCAM (epithelial cell adhesion molecule; plus strand). Cytogenetic location: 2p21.
Variant type: single nucleotide variant.
Coding change: c.306C>T on transcript NM_002354.3 (MANE Select); coding-DNA position 306, C replaced by T.
Protein change: p.Ser102=; no amino-acid change (serine 102 retained).
Molecular consequence: synonymous variant.
Genome position (GRCh38, 1-based): chr2:47,373,929, C>T. VCF-style: chr2-47373929-C-T. GRCh37 (hg19) VCF-style: chr2-47601068-C-T.
Identifiers: ClinVar variation 1799472 (VCV001799472.6), dbSNP rs1305248670, ClinGen allele CA426119280.